The following is an entry in ClinVar:

ClinVar aggregate classification (germline): Uncertain significance. Review status: criteria provided, multiple submitters, no conflicts (2 of 4 stars). 2 submissions from 2 submitters: Uncertain significance (2). Last evaluated 2025-07-31.

Conditions:
Inborn genetic diseases. Identifiers: MedGen C0950123, MeSH D030342.
Infantile neuroaxonal dystrophy (NBIA2A). Also called: NEURODEGENERATION WITH BRAIN IRON ACCUMULATION 2A; SEITELBERGER DISEASE; Infantile neuroaxonal dystrophy 1. Identifiers: Orphanet 35069, MedGen C0270724, MONDO:0024457, OMIM 256600.

Allele frequency attached by ClinVar (database versions not stated): gnomAD 0.00001; gnomAD exomes 0.00001; TOPMed 0.00002.
gnomAD v4.1: 10 of 1,566,800 alleles (0.00064%); highest among the groups gnomAD compares: Admixed American, 0.0038%; no homozygotes.

Submissions (2):

Ambry Genetics
Classification: Uncertain significance for Inborn genetic diseases. Last evaluated: 2025-07-31. Review status: criteria provided, single submitter. Criteria: Ambry Variant Classification Scheme 2023. Collection method: clinical testing. Allele origin: germline.

Labcorp Genetics (formerly Invitae), Labcorp
Classification: Uncertain significance for Infantile neuroaxonal dystrophy. Last evaluated: 2021-10-28. Review status: criteria provided, single submitter. Criteria: Invitae Variant Classification Sherloc (09022015). Collection method: clinical testing. Allele origin: germline.
Comment: This sequence change replaces arginine, which is basic and polar, with tryptophan, which is neutral and slightly polar, at codon 306 of the PLA2G6 protein (p.Arg306Trp). This variant is not present in population databases (gnomAD no frequency). This variant has not been reported in the literature in individuals affected with PLA2G6-related conditions. Advanced modeling of protein sequence and biophysical properties (such as structural, functional, and spatial information, amino acid conservation, physicochemical variation, residue mobility, and thermodynamic stability) performed at Invitae indicates that this missense variant is expected to disrupt PLA2G6 protein function. In summary, the available evidence is currently insufficient to determine the role of this variant in disease. Therefore, it has been classified as a Variant of Uncertain Significance.

NM_003560.4(PLA2G6):c.916C>T (p.Arg306Trp)

Gene: PLA2G6 (phospholipase A2 group VI; minus strand). Cytogenetic location: 22q13.1.
Variant type: single nucleotide variant.
Coding change: c.916C>T on transcript NM_003560.4 (MANE Select); coding-DNA position 916, C replaced by T.
Protein change: p.Arg306Trp; replaces arginine 306 with tryptophan.
Molecular consequence: missense variant.
Genome position (GRCh38, 1-based): chr22:38,132,992, G>A on the plus strand (C>T on the coding strand, the complement: PLA2G6 is on the minus strand). VCF-style: chr22-38132992-G-A. GRCh37 (hg19) VCF-style: chr22-38528999-G-A.
Other names: c.916C>T (NM_003560.2); c.916C>T, p.Arg306Trp (NM_001004426.3, NM_001199562.3, NM_001349864.2 and 2 more transcripts); c.382C>T, p.Arg128Trp (NM_001349867.2, NM_001349869.2); c.238C>T, p.Arg80Trp (NM_001349868.2); short protein forms R306W, R128W, R80W.
Identifiers: ClinVar variation 1512778 (VCV001512778.4), dbSNP rs1301929071, ClinGen allele CA411530934.